The following is an entry in ClinVar:

NM_006306.4(SMC1A):c.2398C>T (p.Gln800Ter)

Gene: SMC1A (structural maintenance of chromosomes 1A; minus strand). Cytogenetic location: Xp11.22.
Variant type: single nucleotide variant.
Coding change: c.2398C>T on transcript NM_006306.4 (MANE Select); coding-DNA position 2398, C replaced by T.
Protein change: p.Gln800Ter; replaces glutamine 800 with a stop codon.
Molecular consequence: nonsense.
Genome position (GRCh38, 1-based): chrX:53,403,588, G>A on the plus strand (C>T on the coding strand, the complement: SMC1A is on the minus strand). VCF-style: chrX-53403588-G-A. GRCh37 (hg19) VCF-style: chrX-53430520-G-A.
Other names: c.2332C>T, p.Gln778Ter (NM_001281463.1); short protein forms Q778*, Q800*.
Identifiers: ClinVar variation 1069969 (VCV001069969.7), dbSNP rs2146598241, ClinGen allele CA413250943.

ClinVar aggregate classification (germline): Pathogenic (1 of 4 stars; one submission).

Conditions:
Congenital muscular hypertrophy-cerebral syndrome (CDLS2). Also called: Cornelia de Lange syndrome 2; SMC1A-Related Cornelia de Lange Syndrome. Identifiers: Orphanet 199, MedGen C1802395, MONDO:0010370, OMIM 300590.

Submission:

Labcorp Genetics (formerly Invitae), Labcorp
Classification: Pathogenic for Congenital muscular hypertrophy-cerebral syndrome. Last evaluated: 2020-08-10. Review status: criteria provided, single submitter. Criteria: Invitae Variant Classification Sherloc (09022015). Collection method: clinical testing. Allele origin: germline.
Comment: For these reasons, this variant has been classified as Pathogenic. Loss-of-function variants in SMC1A are known to be pathogenic (PMID: 26386245, 27334371, 28166369, 28548707, 31334757). Algorithms developed to predict the effect of sequence changes on RNA splicing suggest that this variant may create or strengthen a splice site, but this prediction has not been confirmed by published transcriptional studies. This variant has not been reported in the literature in individuals with SMC1A-related conditions. This variant is not present in population databases (ExAC no frequency). This sequence change creates a premature translational stop signal (p.Gln800*) in the SMC1A gene. It is expected to result in an absent or disrupted protein product.

Literature cited by the submitters: PubMed 26386245; PubMed 27334371; PubMed 28166369; PubMed 28548707; PubMed 31334757.